The following is an entry in ClinVar:

NM_139343.3(BIN1):c.1342A>C (p.Ser448Arg)

Gene: BIN1 (bridging integrator 1; minus strand). Cytogenetic location: 2q14.3.
Variant type: single nucleotide variant.
Coding change: c.1342A>C on transcript NM_139343.3 (MANE Select); coding-DNA position 1342, A replaced by C.
Protein change: p.Ser448Arg; replaces serine 448 with arginine.
Molecular consequence: missense variant. On other transcripts: intron variant (9).
Genome position (GRCh38, 1-based): chr2:127,052,284, T>G on the plus strand (A>C on the coding strand, the complement: BIN1 is on the minus strand). VCF-style: chr2-127052284-T-G. GRCh37 (hg19) VCF-style: chr2-127809860-T-G.
Other names: c.1249A>C, p.Ser417Arg (NM_001320641.2); c.1261A>C, p.Ser421Arg (NM_001320642.1); c.1213A>C, p.Ser405Arg (NM_139344.3); c.1081A>C, p.Ser361Arg (NM_139345.3); c.1117A>C, p.Ser373Arg (NM_139347.3); c.988A>C, p.Ser330Arg (NM_139349.3); c.838-1372A>C (NM_001320634.1); c.910-1372A>C (NM_139351.3); and 7 more; short protein forms S373R, S421R, S330R, S417R, S448R, S361R, S405R.
Identifiers: ClinVar variation 2717950 (VCV002717950.3), dbSNP rs2467183821, ClinGen allele CA348375793.
Genomic context (GRCh38, chr2:127,052,284, plus strand): 5'-AGCCAGACAGGGGCTGGAGGTGGGCACTTACTTGGGCAGGCCCCGGCTCGGCCGTCTGGC[T>G]GGGCCAGGACACAGCAAAGGTGCCCTCGGCAGCGCTGGGCTCCCCGGAAGGCAGGCTGCC-3'
Protein context (NP_647593.1, residues 438-458): AEGTFAVSWP[Ser448Arg]QTAEPGPAQP

ClinVar aggregate classification (germline): Uncertain significance (1 of 4 stars; one submission).

Conditions:
Myopathy, centronuclear, 2 (CNM2). Also called: MYOTUBULAR MYOPATHY, AUTOSOMAL RECESSIVE. Identifiers: Orphanet 169186, MedGen CN031787, MONDO:0009709, OMIM 255200.

Submission:

Labcorp Genetics (formerly Invitae), Labcorp
Classification: Uncertain significance for Myopathy, centronuclear, 2. Last evaluated: 2023-06-19. Review status: criteria provided, single submitter. Criteria: Invitae Variant Classification Sherloc (09022015). Collection method: clinical testing. Allele origin: germline.
Comment: In summary, the available evidence is currently insufficient to determine the role of this variant in disease. Therefore, it has been classified as a Variant of Uncertain Significance. An algorithm developed to predict the effect of missense changes on protein structure and function (PolyPhen-2) suggests that this variant is likely to be tolerated. This variant has not been reported in the literature in individuals affected with BIN1-related conditions. This variant is not present in population databases (gnomAD no frequency). This sequence change replaces serine, which is neutral and polar, with arginine, which is basic and polar, at codon 448 of the BIN1 protein (p.Ser448Arg).